The following is an entry in ClinVar:

ClinVar aggregate classification (germline): Uncertain significance (1 of 4 stars; one submission).

Conditions:
Glycogen storage disease due to muscle beta-enolase deficiency (GSD13). Also called: ENOLASE 3 DEFICIENCY; ENOLASE-BETA DEFICIENCY; GSD XIII; Glycogen Storage Disease Type XIII. Identifiers: Orphanet 99849, MedGen C2752027, MONDO:0013046, OMIM 612932.

Allele frequency attached by ClinVar (database versions not stated): TOPMed 0.00001; gnomAD exomes 0.00003.
gnomAD v4.1: 49 of 1,614,236 alleles (0.003%); highest among the groups gnomAD compares: Non-Finnish European, 0.0041%; no homozygotes.

Submission:

Labcorp Genetics (formerly Invitae), Labcorp
Classification: Uncertain significance for Glycogen storage disease due to muscle beta-enolase deficiency. Last evaluated: 2022-06-07. Review status: criteria provided, single submitter. Criteria: Invitae Variant Classification Sherloc (09022015). Collection method: clinical testing. Allele origin: germline.
Comment: This sequence change replaces lysine, which is basic and polar, with asparagine, which is neutral and polar, at codon 120 of the ENO3 protein (p.Lys120Asn). This variant is not present in population databases (gnomAD no frequency). This variant has not been reported in the literature in individuals affected with ENO3-related conditions. Algorithms developed to predict the effect of missense changes on protein structure and function (SIFT, PolyPhen-2, Align-GVGD) all suggest that this variant is likely to be disruptive. In summary, the available evidence is currently insufficient to determine the role of this variant in disease. Therefore, it has been classified as a Variant of Uncertain Significance.

NM_053013.4(ENO3):c.360G>C (p.Lys120Asn)

Gene: ENO3 (enolase 3; plus strand). Cytogenetic location: 17p13.2.
Variant type: single nucleotide variant.
Coding change: c.360G>C on transcript NM_053013.4 (MANE Select); coding-DNA position 360, G replaced by C.
Protein change: p.Lys120Asn; replaces lysine 120 with asparagine.
Molecular consequence: missense variant.
Genome position (GRCh38, 1-based): chr17:4,953,761, G>C. VCF-style: chr17-4953761-G-C. GRCh37 (hg19) VCF-style: chr17-4857056-G-C.
Other names: c.231G>C, p.Lys77Asn (NM_001193503.2); c.360G>C, p.Lys120Asn (NM_001374523.1, NM_001976.5); c.387G>C, p.Lys129Asn (NM_001374524.1); short protein forms K129N, K120N, K77N.
Identifiers: ClinVar variation 1965222 (VCV001965222.2), dbSNP rs757438216, ClinGen allele CA287173753.